The following is an entry in ClinVar:

NM_017612.5(ZCCHC8):c.1627G>C (p.Val543Leu)

Gene: ZCCHC8 (zinc finger CCHC-type containing 8; minus strand). Cytogenetic location: 12q24.31.
Variant type: single nucleotide variant.
Coding change: c.1627G>C on transcript NM_017612.5 (MANE Select); coding-DNA position 1627, G replaced by C.
Protein change: p.Val543Leu; replaces valine 543 with leucine.
Molecular consequence: missense variant.
Genome position (GRCh38, 1-based): chr12:122,473,994, C>G on the plus strand (G>C on the coding strand, the complement: ZCCHC8 is on the minus strand). VCF-style: chr12-122473994-C-G. GRCh37 (hg19) VCF-style: chr12-122958541-C-G.
Other names: c.1396G>C, p.Val466Leu (NM_001350935.2); c.1330G>C, p.Val444Leu (NM_001350936.2); c.913G>C, p.Val305Leu (NM_001350937.2, NM_001350938.2); short protein forms V305L, V444L, V466L, V543L.
Identifiers: ClinVar variation 3609925 (VCV003609925.2).

ClinVar aggregate classification (germline): Uncertain significance (1 of 4 stars; one submission).

Submission:

Labcorp Genetics (formerly Invitae), Labcorp
Classification: Uncertain significance. Last evaluated: 2024-07-18. Review status: criteria provided, single submitter. Criteria: Invitae Variant Classification Sherloc (09022015). Collection method: clinical testing. Allele origin: germline.
Comment: This sequence change replaces valine, which is neutral and non-polar, with leucine, which is neutral and non-polar, at codon 543 of the ZCCHC8 protein (p.Val543Leu). This variant is present in population databases (rs57096638, gnomAD 0.004%). This variant has not been reported in the literature in individuals affected with ZCCHC8-related conditions. Advanced modeling of protein sequence and biophysical properties (such as structural, functional, and spatial information, amino acid conservation, physicochemical variation, residue mobility, and thermodynamic stability) performed at Invitae indicates that this missense variant is not expected to disrupt ZCCHC8 protein function with a negative predictive value of 80%. In summary, the available evidence is currently insufficient to determine the role of this variant in disease. Therefore, it has been classified as a Variant of Uncertain Significance.